The following is an entry in ClinVar:

ClinVar aggregate classification (germline): Benign. Review status: criteria provided, multiple submitters, no conflicts (2 of 4 stars). 2 submissions from 2 submitters: Benign (2). Last evaluated 2024-01-24.

Allele frequency attached by ClinVar (database versions not stated): TOPMed 0.16002; gnomAD 0.16402 and 0.16986; 1000 Genomes Project 30x 0.18801; 1000 Genomes Project 0.19209; gnomAD exomes 0.20045.
gnomAD v4.1: 318,397 of 1,609,186 alleles (20%); highest among the groups gnomAD compares: East Asian, 30%; 33,473 homozygotes.

Submissions (2):

Unidad de Genómica Garrahan, Hospital de Pediatría Garrahan
Classification: Benign. Last evaluated: 2024-01-24. Review status: criteria provided, single submitter. Criteria: ACMG Guidelines, 2015. Collection method: clinical testing. Allele origin: germline. Affected: no. Observed: 38 variant alleles.
Comment: This variant is classified as Benign based on local population frequency. This variant was detected in 43% of patients studied by a panel of primary immunodeficiencies. Number of patients: 38. Only high quality variants are reported.

GeneDx
Classification: Benign. Last evaluated: 2015-03-03. Review status: criteria provided, single submitter. Criteria: GeneDx Variant Classification Process June 2021. Collection method: clinical testing. Allele origin: germline. Affected: yes.

NM_006846.4(SPINK5):c.1820+74T>C

Gene: SPINK5 (serine peptidase inhibitor Kazal type 5; plus strand). Cytogenetic location: 5q32.
Variant type: single nucleotide variant.
Coding change: c.1820+74T>C on transcript NM_006846.4 (MANE Select); 74 bases into the intron after coding-DNA position 1820, T replaced by C.
Molecular consequence: intron variant.
Genome position (GRCh38, 1-based): chr5:148,111,969, T>C. VCF-style: chr5-148111969-T-C. GRCh37 (hg19) VCF-style: chr5-147491532-T-C.
Other names: c.1820+74T>C (NM_001127698.2, NM_001127699.2).
Identifiers: ClinVar variation 1257027 (VCV001257027.4), dbSNP rs2287768, ClinGen allele CA12123739.
Genomic context (GRCh38, chr5:148,111,969, plus strand): 5'-AGCCACTGCTGCTACTGAGTGTGGGAGAAGATCAGCATCGGGTGGGCAAGAGGGGTGACA[T>C]TGGAAGTTTTCTCCAGGAGATAGATAATAAAGGCTGTCTTTGCACTGAGTTTGGAAATTT-3'